The following is an entry in ClinVar:

NM_170707.4(LMNA):c.136A>C (p.Ile46Leu)

Gene: LMNA (lamin A/C; plus strand). Cytogenetic location: 1q22.
Variant type: single nucleotide variant.
Coding change: c.136A>C on transcript NM_170707.4 (MANE Select); coding-DNA position 136, A replaced by C.
Protein change: p.Ile46Leu; replaces isoleucine 46 with leucine.
Molecular consequence: missense variant.
Genome position (GRCh38, 1-based): chr1:156,115,054, A>C. VCF-style: chr1-156115054-A-C. GRCh37 (hg19) VCF-style: chr1-156084845-A-C.
Other names: c.136A>C, p.Ile46Leu (NM_001282625.2, NM_001282626.2, NM_005572.4 and 1 more transcripts); short protein forms I46L.
Identifiers: ClinVar variation 853568 (VCV000853568.9), dbSNP rs267607615, ClinGen allele CA342807863.

ClinVar aggregate classification (germline): Uncertain significance (1 of 4 stars; one submission).

Conditions:
Charcot-Marie-Tooth disease type 2. Also called: Charcot-Marie-Tooth type 2. Identifiers: Orphanet 64746, MedGen C0270914, MONDO:0018993.

Submission:

Labcorp Genetics (formerly Invitae), Labcorp
Classification: Uncertain significance for Charcot-Marie-Tooth disease type 2. Last evaluated: 2019-11-26. Review status: criteria provided, single submitter. Criteria: Invitae Variant Classification Sherloc (09022015). Collection method: clinical testing. Allele origin: germline.
Comment: In summary, the available evidence is currently insufficient to determine the role of this variant in disease. Therefore, it has been classified as a Variant of Uncertain Significance. Algorithms developed to predict the effect of missense changes on protein structure and function are either unavailable or do not agree on the potential impact of this missense change (SIFT: "Deleterious"; PolyPhen-2: "Possibly Damaging"; Align-GVGD: "Class C0"). This variant has not been reported in the literature in individuals with LMNA-related conditions. This variant is not present in population databases (ExAC no frequency). This sequence change replaces isoleucine with leucine at codon 46 of the LMNA protein (p.Ile46Leu). The isoleucine residue is highly conserved and there is a small physicochemical difference between isoleucine and leucine.